The following is an entry in ClinVar:

NM_181458.4(PAX3):c.809G>A (p.Arg270His)

Gene: PAX3 (paired box 3; minus strand). Cytogenetic location: 2q36.1.
Variant type: single nucleotide variant.
Coding change: c.809G>A on transcript NM_181458.4 (MANE Select); coding-DNA position 809, G replaced by A.
Protein change: p.Arg270His; replaces arginine 270 with histidine.
Molecular consequence: missense variant.
Genome position (GRCh38, 1-based): chr2:222,221,371, C>T on the plus strand (G>A on the coding strand, the complement: PAX3 is on the minus strand). VCF-style: chr2-222221371-C-T. GRCh37 (hg19) VCF-style: chr2-223086090-C-T.
Other names: c.806G>A, p.Arg269His (NM_001127366.3); c.809G>A, p.Arg270His (NM_181457.4, NM_181459.4, NM_181460.4 and 1 more transcripts); c.809G>A (NM_181458.3); short protein forms R269H, R270H.
Identifiers: ClinVar variation 2664999 (VCV002664999.3), dbSNP rs2106074603, ClinGen allele CA351116736.

ClinVar aggregate classification (germline): Likely pathogenic. Review status: criteria provided, multiple submitters, no conflicts (2 of 4 stars). 2 submissions from 2 submitters: Likely pathogenic (2). Last evaluated 2023-11-17.

Conditions:
Waardenburg syndrome type 1 (WS1). Also called: WAARDENBURG SYNDROME WITH DYSTOPIA CANTHORUM; Waardenburg Syndrome Type I. Identifiers: Orphanet 894, MedGen C1847800, MONDO:0008670, OMIM 193500.

Allele frequency attached by ClinVar (database versions not stated): gnomAD exomes below 0.00001; gnomAD 0.00001.
gnomAD v4.1: 3 of 1,613,640 alleles (0.00019%); highest among the groups gnomAD compares: East Asian, 0.0022%; no homozygotes.

Submissions (2):

Institute of Human Genetics, University of Leipzig Medical Center
Classification: Likely pathogenic for Waardenburg syndrome type 1. Last evaluated: 2023-11-17. Review status: criteria provided, single submitter. Criteria: ACMG Guidelines, 2015. Collection method: clinical testing. Allele origin: paternal. Inheritance: Autosomal dominant inheritance. Affected: yes.
Comment: Criteria applied: PM5_STR,PM2_SUP,PP3

Victorian Clinical Genetics Services, Murdoch Childrens Research Institute
Classification: Likely pathogenic for Waardenburg syndrome type 1. Last evaluated: 2022-06-24. Review status: criteria provided, single submitter. Criteria: ACMG Guidelines, 2015. Collection method: clinical testing. Allele origin: germline. Inheritance: Autosomal dominant inheritance. Affected: yes.
Comment: Based on the classification scheme VCGS_Germline_v1.3.4, this variant is classified as Likely pathogenic. Following criteria are met: 0102 - Loss of function is a known mechanism of disease in this gene and is associated with Craniofacial-deafness-hand syndrome (MIM#122880); Waardenburg syndrome, type 1 (MIM#193500); Waardenburg syndrome, type 3 (MIM#148820). (I) 0108 - This gene is associated with dominant disease with rare reports of recessive disease (OMIM, ClinGen). (I) 0200 - Variant is predicted to result in a missense amino acid change from arginine to histidine. (I) 0251 - This variant is heterozygous. (I) 0302 - Variant is present in gnomAD (v3) <0.001 for a dominant condition (1 heterozygote, 0 homozygotes). (SP) 0309 - An alternative amino acid change at the same position has been observed in gnomAD (v3 - 1 heterozygote, 0 homozygotes). (I) 0501 - Missense variant consistently predicted to be damaging by multiple in silico tools or highly conserved with a major amino acid change. (SP) 0601 - Variant is located in a hotspot region or cluster of pathogenic variants (Decipher; PMID 20127975). (SP) 0701 - Other missense variants comparable to the one identified in this case have very strong previous evidence for pathogenicity. Three other missense variants at this position, p.Arg270Cys, p.Arg270Pro and p.Arg270Gly, have been reported in individuals with Waardenburg syndrome type 1 (ClinVar, Decipher, LOVD, PMID 29158168). (SP) 0807 - This variant has no previous evidence of pathogenicity. (I) 0905 - No published segregation evidence has been identified for this variant. (I) 1007 - No published functional evidence has been identified for this variant. (I) 1208 - Inheritance information for this variant is not currently available in this individual. (I) Legend: (SP) - Supporting pathogenic, (I) - Information, (SB) - Supporting benign

Literature cited by the submitters: PubMed 20127975 (cited by Victorian Clinical Genetics Services, Murdoch Childrens Research Institute); PubMed 29158168 (cited by Victorian Clinical Genetics Services, Murdoch Childrens Research Institute).